The following is an entry in ClinVar:

NM_003242.6(TGFBR2):c.33G>C (p.Pro11=)

Gene: TGFBR2 (transforming growth factor beta receptor 2; plus strand). Cytogenetic location: 3p24.1.
Variant type: single nucleotide variant.
Coding change: c.33G>C on transcript NM_003242.6 (MANE Select); coding-DNA position 33, G replaced by C.
Protein change: p.Pro11=; no amino-acid change (proline 11 retained).
Molecular consequence: synonymous variant. On other transcripts: 5 prime UTR variant (4), intron variant (2).
Genome position (GRCh38, 1-based): chr3:30,606,916, G>C. VCF-style: chr3-30606916-G-C. GRCh37 (hg19) VCF-style: chr3-30648408-G-C.
Other names: c.33G>C, p.Pro11= (NM_001024847.3, NM_001407126.1, NM_001407127.1 and 4 more transcripts); c.-251G>C (NM_001407133.1); c.-129G>C (NM_001407134.1); c.-176G>C (NM_001407135.1); c.-261G>C (NM_001407136.1); c.-12+323G>C (NM_001407129.1, NM_001407132.1).
Identifiers: ClinVar variation 3069529 (VCV003069529.1), dbSNP rs1575125895, ClinGen allele CA433009969.

ClinVar aggregate classification (germline): Likely benign (1 of 4 stars; one submission).

Conditions:
Loeys-Dietz syndrome 2 (LDS2). Also called: AORTIC ANEURYSM, FAMILIAL THORACIC 3; MARFAN SYNDROME, TYPE II; Marfan syndrome, type 2 (formerly); TGFBR2-Related Loeys-Dietz Syndrome; Marfan Syndrome type 2; Marfan like connective tissue disorder. Identifiers: Orphanet 284973, Orphanet 558, MedGen C2674574, MONDO:0012427, OMIM 610168.

gnomAD v4.1: 1 of 1,595,672 alleles (0.000063%); highest among the groups gnomAD compares: Non-Finnish European, 0.000085%; no homozygotes.

Submission:

All of Us Research Program, National Institutes of Health
Classification: Likely benign for Loeys-Dietz syndrome 2. Last evaluated: 2023-02-24. Review status: criteria provided, single submitter. Criteria: ACMG Guidelines, 2015. Collection method: clinical testing. Allele origin: germline. Inheritance: Autosomal dominant inheritance. Observed: 1 variant allele, 1 heterozygote.
Comment: This study involves interpretation of variants in research participants for the purpose of population health screening. Participant phenotype was not available at the time of variant classification. Additional details can be found in publication PMID: 35346344, PMCID: PMC8962531